The following is an entry in ClinVar:

NM_014324.6(AMACR):c.247+8C>G

Genes: AMACR (alpha-methylacyl-CoA racemase; minus strand), C1QTNF3-AMACR (C1QTNF3-AMACR readthrough (NMD candidate); minus strand). Cytogenetic location: 5p13.2.
Variant type: single nucleotide variant.
Coding change: c.247+8C>G on transcript NM_014324.6 (MANE Select); 8 bases into the intron after coding-DNA position 247, C replaced by G.
Molecular consequence: intron variant.
Genome position (GRCh38, 1-based): chr5:34,007,765, G>C on the plus strand (C>G on the coding strand, the complement: AMACR is on the minus strand). VCF-style: chr5-34007765-G-C. GRCh37 (hg19) VCF-style: chr5-34007870-G-C.
Other names: c.247+8C>G (NM_203382.3, NM_001167595.2).
Identifiers: ClinVar variation 387261 (VCV000387261.15), dbSNP rs779779299, ClinGen allele CA3226268.

ClinVar aggregate classification (germline): Conflicting classifications of pathogenicity. Review status: criteria provided, conflicting classifications (1 of 4 stars). 4 submissions from 4 submitters: Uncertain significance (1); Likely benign (3). Last evaluated 2026-01-27.

Conditions:
Alpha-methylacyl-CoA racemase deficiency (AMACRD). Also called: AMACR deficiency. Identifiers: Orphanet 79095, MedGen C3280428, MONDO:0013681, OMIM 614307. Disease mechanism: loss of function.

Allele frequency attached by ClinVar (database versions not stated): ExAC 0.00008; gnomAD 0.00032; TOPMed 0.00050.
gnomAD v4.1: 111 of 1,546,182 alleles (0.0072%); highest among the groups gnomAD compares: African/African-American, 0.12%; 1 homozygote.

Submissions (4):

Labcorp Genetics (formerly Invitae), Labcorp
Classification: Likely benign for Alpha-methylacyl-CoA racemase deficiency. Last evaluated: 2026-01-27. Review status: criteria provided, single submitter. Criteria: Invitae Variant Classification Sherloc (09022015). Collection method: clinical testing. Allele origin: germline.

Blueprint Genetics
Classification: Likely benign. Last evaluated: 2024-08-08. Review status: criteria provided, single submitter. Criteria: ACMG Guidelines, 2015. Collection method: clinical testing. Allele origin: germline.

GeneDx
Classification: Likely benign. Last evaluated: 2018-03-01. Review status: criteria provided, single submitter. Criteria: GeneDx Variant Classification (06012015). Collection method: clinical testing. Allele origin: germline. Affected: yes.
Comment: This variant is considered likely benign or benign based on one or more of the following criteria: it is a conservative change, it occurs at a poorly conserved position in the protein, it is predicted to be benign by multiple in silico algorithms, and/or has population frequency not consistent with disease.

Eurofins Ntd Llc (ga)
Classification: Uncertain significance. Last evaluated: 2017-09-06. Review status: criteria provided, single submitter. Criteria: EGL Classification Definitions 2015. Collection method: clinical testing. Allele origin: germline. Observed: 3 variant alleles, 3 heterozygotes.